The following is an entry in ClinVar:

NM_153676.4(USH1C):c.1838C>T (p.Thr613Ile)

Gene: USH1C (USH1 protein network component harmonin; minus strand). Cytogenetic location: 11p15.1.
Variant type: single nucleotide variant.
Coding change: c.1838C>T on transcript NM_153676.4 (MANE Select); coding-DNA position 1838, C replaced by T.
Protein change: p.Thr613Ile; replaces threonine 613 with isoleucine.
Molecular consequence: missense variant. On other transcripts: intron variant (2).
Genome position (GRCh38, 1-based): chr11:17,509,531, G>A on the plus strand (C>T on the coding strand, the complement: USH1C is on the minus strand). VCF-style: chr11-17509531-G-A. GRCh37 (hg19) VCF-style: chr11-17531078-G-A.
Other names: c.1228-7551C>T (NM_001297764.2); c.1285-7551C>T (NM_005709.4); short protein forms T613I.
Identifiers: ClinVar variation 929923 (VCV000929923.4), dbSNP rs146191588, ClinGen allele CA5904421.
Genomic context (GRCh38, chr11:17,509,531, plus strand): 5'-TGGTTGCTCAGTGCTTCTTCCAGCGCCGAGGGCAGTGGGCGGGTGGGAGTGAGGTCTTGG[G>A]TGGGAACGGATGGCGGGGGAGGGATGGGAATGGGGGGTGGAGTGCGCTGCACCCATGGAG-3'
Protein context (NP_710142.1, residues 603-623): IPIPPPPSVP[Thr613Ile]QDLTPTRPLP

ClinVar aggregate classification (germline): Uncertain significance (1 of 4 stars; one submission).

Allele frequency attached by ClinVar (database versions not stated): ESP Exome Variant Server 0.00008; TOPMed 0.00005.

Submission:

Laboratory for Molecular Medicine, Mass General Brigham Personalized Medicine
Classification: Uncertain significance. Last evaluated: 2020-01-15. Review status: criteria provided, single submitter. Criteria: LMM Criteria. Collection method: clinical testing. Allele origin: germline. Observed: 1 variant allele.
Comment: The p.Thr613Ile variant in USH1C has not been previously reported in individuals with hearing loss or Usher syndrome but has been identified in 0.0008% (1/111688) of European chromosomes by gnomAD. Computational prediction tools and conservation analyses do not provide strong support for or against an impact to the protein. In summary, the clinical significance of this variant is uncertain. ACMG/AMP Criteria applied: PM2.